The following is an entry in ClinVar:

ClinVar aggregate classification (germline): Pathogenic (1 of 4 stars; one submission).

Conditions:
Autosomal dominant hypocalcemia 1 (HYPOC1). Also called: HYPOCALCEMIA, FAMILIAL. Identifiers: MedGen C3715128, MONDO:0011013, OMIM 601198.
Familial hypocalciuric hypercalcemia (FHH). Also called: Familial benign hypercalcemia. Identifiers: Orphanet 405, MedGen C1809471, MONDO:0018458.

Submission:

Labcorp Genetics (formerly Invitae), Labcorp
Classification: Pathogenic for Familial hypocalciuric hypercalcemia; Autosomal dominant hypocalcemia 1. Last evaluated: 2022-05-26. Review status: criteria provided, single submitter. Criteria: Invitae Variant Classification Sherloc (09022015). Collection method: clinical testing. Allele origin: germline.
Comment: For these reasons, this variant has been classified as Pathogenic. This variant disrupts a region of the CASR protein in which other variant(s) (p.Pro55Leu) have been determined to be pathogenic (PMID: 8675635, 8878438, 11763315, 12580936, 19389809, 19759318, 20164288, 22422767, 24947037). This suggests that this is a clinically significant region of the protein, and that variants that disrupt it are likely to be disease-causing. Experimental studies have shown that disruption of the initiator codon affects CASR function (PMID: 17121537). Algorithms developed to predict the effect of variants on protein structure and function are not available or were not evaluated for this variant. Disruption of the initiator codon has been observed in individual(s) with autosomal recessive neonatal severe hyperparathyroidism (PMID: 17121537). This variant is not present in population databases (gnomAD no frequency). This sequence change affects the initiator methionine of the CASR mRNA. The next in-frame methionine is located at codon 74.

Literature cited by the submitters: PubMed 8675635; PubMed 8878438; PubMed 11763315; PubMed 12580936; PubMed 19389809; PubMed 19759318; PubMed 20164288; PubMed 22422767; PubMed 24947037; PubMed 17121537.

NM_000388.4(CASR):c.2T>G (p.Met1Arg)

Gene: CASR (calcium sensing receptor; plus strand). Cytogenetic location: 3q21.1.
Variant type: single nucleotide variant.
Coding change: c.2T>G on transcript NM_000388.4 (MANE Select); coding-DNA position 2, T replaced by G.
Protein change: p.Met1Arg; changes the start codon (methionine 1).
Molecular consequence: missense variant, initiator codon variant.
Genome position (GRCh38, 1-based): chr3:122,254,191, T>G. VCF-style: chr3-122254191-T-G. GRCh37 (hg19) VCF-style: chr3-121973038-T-G.
Other names: c.2T>G, p.Met1Arg (NM_001178065.2); short protein forms M1R.
Identifiers: ClinVar variation 2203412 (VCV002203412.5), dbSNP rs1467887809, ClinGen allele CA354361914.